The following is an entry in ClinVar:

ClinVar aggregate classification (germline): Uncertain significance. Review status: criteria provided, multiple submitters, no conflicts (2 of 4 stars). 2 submissions from 2 submitters: Uncertain significance (2). Last evaluated 2024-11-26.

Submissions (2):

Ambry Genetics
Classification: Uncertain significance. Last evaluated: 2024-11-26. Review status: criteria provided, single submitter. Criteria: Ambry Variant Classification Scheme 2023. Collection method: clinical testing. Allele origin: germline.

Labcorp Genetics (formerly Invitae), Labcorp
Classification: Uncertain significance. Last evaluated: 2023-06-10. Review status: criteria provided, single submitter. Criteria: Invitae Variant Classification Sherloc (09022015). Collection method: clinical testing. Allele origin: germline.
Comment: In summary, the available evidence is currently insufficient to determine the role of this variant in disease. Therefore, it has been classified as a Variant of Uncertain Significance. An algorithm developed to predict the effect of missense changes on protein structure and function (PolyPhen-2) suggests that this variant is likely to be tolerated. ClinVar contains an entry for this variant (Variation ID: 2161527). This variant has not been reported in the literature in individuals affected with ATRIP-related conditions. This variant is not present in population databases (gnomAD no frequency). This sequence change replaces serine, which is neutral and polar, with arginine, which is basic and polar, at codon 9 of the ATRIP protein (p.Ser9Arg).

NM_130384.3(ATRIP):c.25A>C (p.Ser9Arg)

Genes: ATRIP-TREX1 (ATRIP-TREX1 readthrough; plus strand), ATRIP (ATR interacting protein; plus strand), LOC129936703 (ATAC-STARR-seq lymphoblastoid silent region 14331; plus strand). Cytogenetic location: 3p21.31.
Variant type: single nucleotide variant.
Coding change: c.25A>C on transcript NM_130384.3 (MANE Select); coding-DNA position 25, A replaced by C.
Protein change: p.Ser9Arg; replaces serine 9 with arginine.
Molecular consequence: missense variant. On other transcripts: non-coding transcript variant (1), intron variant (1).
Genome position (GRCh38, 1-based): chr3:48,446,870, A>C. VCF-style: chr3-48446870-A-C. GRCh37 (hg19) VCF-style: chr3-48488274-A-C.
Other names: c.25A>C, p.Ser9Arg (NM_032166.4); c.-218+71A>C (NM_001271022.2); c.25A>C (NM_130384.1); short protein forms S9R.
Identifiers: ClinVar variation 2161527 (VCV002161527.5), dbSNP rs2529918645, ClinGen allele CA352702313.
Genomic context (GRCh38, chr3:48,446,870, plus strand): 5'-CTCGGCGCTGTCGGATACTTGGGGTGAGCGGAAAGCATGGCGGGGACCTCCGCGCCAGGC[A>C]GCAAGAGGCGGAGCGAGCCCCCGGCGCCTCGCCCCGGCCCGCCGCCGGGCACCGGGCACC-3'
Protein context (NP_569055.1, residues 1-19): MAGTSAPG[Ser9Arg]KRRSEPPAPR